The following is an entry in ClinVar:

NM_080732.4(EGLN2):c.736C>G (p.His246Asp)

Genes: EGLN2 (egl-9 family hypoxia inducible factor 2; plus strand), RAB4B-EGLN2 (RAB4B-EGLN2 readthrough (NMD candidate); plus strand). Cytogenetic location: 19q13.2.
Variant type: single nucleotide variant.
Coding change: c.736C>G on transcript NM_080732.4 (MANE Select); coding-DNA position 736, C replaced by G.
Protein change: p.His246Asp; replaces histidine 246 with aspartic acid.
Molecular consequence: missense variant. On other transcripts: non-coding transcript variant (1).
Genome position (GRCh38, 1-based): chr19:40,801,308, C>G. VCF-style: chr19-40801308-C-G. GRCh37 (hg19) VCF-style: chr19-41307213-C-G.
Other names: c.736C>G, p.His246Asp (NM_053046.4); short protein forms H246D.
Identifiers: ClinVar variation 1758549 (VCV001758549.2), dbSNP rs780602477, ClinGen allele CA9452293.

ClinVar aggregate classification (germline): Uncertain significance (1 of 4 stars; one submission).

Allele frequency attached by ClinVar (database versions not stated): gnomAD exomes 0.00001; gnomAD 0.00002; ExAC 0.00003; TOPMed 0.00003.
gnomAD v4.1: 11 of 1,612,960 alleles (0.00068%); highest among the groups gnomAD compares: Admixed American, 0.012%; no homozygotes.

Submission:

Ambry Genetics
Classification: Uncertain significance. Last evaluated: 2023-11-30. Review status: criteria provided, single submitter. Criteria: Ambry Variant Classification Scheme 2023. Collection method: clinical testing. Allele origin: germline.
Comment: The p.H246D variant (also known as c.736C>G), located in coding exon 1 of the EGLN2 gene, results from a C to G substitution at nucleotide position 736. The histidine at codon 246 is replaced by aspartic acid, an amino acid with similar properties. This amino acid position is conserved. In addition, this alteration is predicted to be tolerated by in silico analysis. Since supporting evidence is limited at this time, the clinical significance of this alteration remains unclear.